The following is an entry in ClinVar:

ClinVar aggregate classification (germline): Uncertain significance. Review status: criteria provided, single submitter (1 of 4 stars). 2 submissions from 2 submitters: Uncertain significance (1). 1 of the submissions does not count toward it. Last evaluated 2023-03-01.

Conditions:
Familial hypocalciuric hypercalcemia 1. Also called: Hypercalcemia, familial benign type 1. Identifiers: Orphanet 405, Orphanet 93372, MedGen C0342637, MONDO:0007791, OMIM 145980.
Autosomal dominant hypocalcemia 1 (HYPOC1). Also called: HYPOCALCEMIA, FAMILIAL. Identifiers: MedGen C3715128, MONDO:0011013, OMIM 601198.
Familial hypocalciuric hypercalcemia (FHH). Also called: Familial benign hypercalcemia. Identifiers: Orphanet 405, MedGen C1809471, MONDO:0018458.

Submissions (2):

Labcorp Genetics (formerly Invitae), Labcorp
Classification: Uncertain significance for Familial hypocalciuric hypercalcemia; Autosomal dominant hypocalcemia 1. Last evaluated: 2023-03-01. Review status: criteria provided, single submitter. Criteria: Invitae Variant Classification Sherloc (09022015). Collection method: clinical testing. Allele origin: germline.
Comment: In summary, the available evidence is currently insufficient to determine the role of this variant in disease. Therefore, it has been classified as a Variant of Uncertain Significance. An algorithm developed to predict the effect of missense changes on protein structure and function (PolyPhen-2) suggests that this variant is likely to be disruptive. This variant has not been reported in the literature in individuals affected with CASR-related conditions. This variant is not present in population databases (gnomAD no frequency). This sequence change replaces serine, which is neutral and polar, with glycine, which is neutral and non-polar, at codon 171 of the CASR protein (p.Ser171Gly).

Molecular Genetics Laboratory, Biobizkaia Health Research Institute
Classification: Likely pathogenic for Familial hypocalciuric hypercalcemia 1. Last evaluated: 2024-03-08. Review status: no assertion criteria provided. Collection method: clinical testing. Allele origin: maternal. Affected: yes. Not counted in ClinVar's aggregate classification.

NM_000388.4(CASR):c.511A>G (p.Ser171Gly)

Gene: CASR (calcium sensing receptor; plus strand). Cytogenetic location: 3q21.1.
Variant type: single nucleotide variant.
Coding change: c.511A>G on transcript NM_000388.4 (MANE Select); coding-DNA position 511, A replaced by G.
Protein change: p.Ser171Gly; replaces serine 171 with glycine.
Molecular consequence: missense variant.
Genome position (GRCh38, 1-based): chr3:122,261,546, A>G. VCF-style: chr3-122261546-A-G. GRCh37 (hg19) VCF-style: chr3-121980393-A-G.
Other names: c.511A>G, p.Ser171Gly (NM_001178065.2); short protein forms S171G.
Identifiers: ClinVar variation 2944825 (VCV002944825.4), dbSNP rs2473225091, ClinGen allele CA354150743.